The following is an entry in ClinVar:

ClinVar aggregate classification (germline): Uncertain significance (1 of 4 stars; one submission).

Submission:

GeneDx
Classification: Uncertain significance. Last evaluated: 2026-03-22. Review status: criteria provided, single submitter. Criteria: GeneDx Variant Classification Process June 2021. Collection method: clinical testing. Allele origin: germline.
Comment: Not observed at significant frequency in large population cohorts (gnomAD); In silico analysis supports that this missense variant has a deleterious effect on protein structure/function; Has not been previously published as pathogenic or benign to our knowledge

NM_032217.5(ANKRD17):c.2752G>A (p.Gly918Arg)

Gene: ANKRD17 (ankyrin repeat domain 17; minus strand). Cytogenetic location: 4q13.3.
Variant type: single nucleotide variant.
Coding change: c.2752G>A on transcript NM_032217.5 (MANE Select); coding-DNA position 2752, G replaced by A.
Protein change: p.Gly918Arg; replaces glycine 918 with arginine.
Molecular consequence: missense variant. On other transcripts: intron variant (1).
Genome position (GRCh38, 1-based): chr4:73,139,864, C>T on the plus strand (G>A on the coding strand, the complement: ANKRD17 is on the minus strand). VCF-style: chr4-73139864-C-T. GRCh37 (hg19) VCF-style: chr4-74005581-C-T.
Other names: c.2413G>A, p.Gly805Arg (NM_001286771.3); c.2752G>A, p.Gly918Arg (NM_015574.2); c.2332+1877G>A (NM_198889.3); short protein forms G805R, G918R.
Identifiers: ClinVar variation 3361858 (VCV003361858.2).